The following is an entry in ClinVar:

NM_005228.5(EGFR):c.3239A>G (p.Asp1080Gly)

Gene: EGFR (epidermal growth factor receptor; plus strand). Cytogenetic location: 7p11.2.
Variant type: single nucleotide variant.
Coding change: c.3239A>G on transcript NM_005228.5 (MANE Select); coding-DNA position 3239, A replaced by G.
Protein change: p.Asp1080Gly; replaces aspartic acid 1080 with glycine.
Molecular consequence: missense variant.
Genome position (GRCh38, 1-based): chr7:55,202,593, A>G. VCF-style: chr7-55202593-A-G. GRCh37 (hg19) VCF-style: chr7-55270286-A-G.
Other names: c.3104A>G, p.Asp1035Gly (NM_001346897.2, NM_001346899.2); c.3239A>G, p.Asp1080Gly (NM_001346898.2); c.3080A>G, p.Asp1027Gly (NM_001346900.2); c.2438A>G, p.Asp813Gly (NM_001346941.2); short protein forms D1035G, D1080G, D813G, D1027G.
Identifiers: ClinVar variation 843230 (VCV000843230.9), dbSNP rs1787898176, ClinGen allele CA367583453.

ClinVar aggregate classification (germline): Uncertain significance. Review status: criteria provided, multiple submitters, no conflicts (2 of 4 stars). 2 submissions from 2 submitters: Uncertain significance (2). Last evaluated 2025-08-27.

Conditions:
EGFR-related lung cancer (EGFR). Identifiers: MedGen CN130014.
Hereditary cancer-predisposing syndrome. Also called: Hereditary Cancer Syndrome; Hereditary neoplastic syndrome; Tumor predisposition; Neoplastic Syndromes, Hereditary. Identifiers: Orphanet 140162, MedGen C0027672, MeSH D009386, MONDO:0015356.

Allele frequency attached by ClinVar (database versions not stated): gnomAD exomes below 0.00001; TOPMed below 0.00001.
gnomAD v4.1: 1 of 1,613,522 alleles (0.000062%); highest among the groups gnomAD compares: Non-Finnish European, 0.000085%; no homozygotes.

Submissions (2):

Ambry Genetics
Classification: Uncertain significance for Hereditary cancer-predisposing syndrome. Last evaluated: 2025-08-27. Review status: criteria provided, single submitter. Criteria: Ambry Variant Classification Scheme 2023. Collection method: clinical testing. Allele origin: germline.

Labcorp Genetics (formerly Invitae), Labcorp
Classification: Uncertain significance for EGFR-related lung cancer. Last evaluated: 2024-10-27. Review status: criteria provided, single submitter. Criteria: Invitae Variant Classification Sherloc (09022015). Collection method: clinical testing. Allele origin: germline.
Comment: This sequence change replaces aspartic acid, which is acidic and polar, with glycine, which is neutral and non-polar, at codon 1080 of the EGFR protein (p.Asp1080Gly). This variant is not present in population databases (gnomAD no frequency). This variant has not been reported in the literature in individuals affected with EGFR-related conditions. ClinVar contains an entry for this variant (Variation ID: 843230). An algorithm developed to predict the effect of missense changes on protein structure and function (PolyPhen-2) suggests that this variant is likely to be tolerated. In summary, the available evidence is currently insufficient to determine the role of this variant in disease. Therefore, it has been classified as a Variant of Uncertain Significance.